The following is an entry in ClinVar:

NM_016507.4(CDK12):c.1965G>T (p.Lys655Asn)

Gene: CDK12 (cyclin dependent kinase 12; plus strand). Cytogenetic location: 17q12.
Variant type: single nucleotide variant.
Coding change: c.1965G>T on transcript NM_016507.4 (MANE Select); coding-DNA position 1965, G replaced by T.
Protein change: p.Lys655Asn; replaces lysine 655 with asparagine.
Molecular consequence: missense variant.
Genome position (GRCh38, 1-based): chr17:39,490,590, G>T. VCF-style: chr17-39490590-G-T. GRCh37 (hg19) VCF-style: chr17-37646843-G-T.
Other names: c.1965G>T, p.Lys655Asn (NM_015083.4); short protein forms K655N.
Identifiers: ClinVar variation 4224350 (VCV004224350.1).

ClinVar aggregate classification (germline): Uncertain significance (1 of 4 stars; one submission).

gnomAD v4.1: 1 of 1,612,756 alleles (0.000062%); highest among the groups gnomAD compares: Non-Finnish European, 0.000085%; no homozygotes.

Submission:

Ambry Genetics
Classification: Uncertain significance. Last evaluated: 2025-08-05. Review status: criteria provided, single submitter. Criteria: Ambry Variant Classification Scheme 2023. Collection method: clinical testing. Allele origin: germline.
Comment: The p.K655N variant (also known as c.1965G>T), located in coding exon 3 of the CDK12 gene, results from a G to T substitution at nucleotide position 1965. The lysine at codon 655 is replaced by asparagine, an amino acid with similar properties. This amino acid position is conserved. In addition, this alteration is predicted to be tolerated by in silico analysis. Based on the available evidence, the clinical significance of this variant remains unclear.